The following is an entry in ClinVar:

NM_005188.4(CBL):c.728T>C (p.Ile243Thr)

Gene: CBL (Cbl proto-oncogene; plus strand). Cytogenetic location: 11q23.3.
Variant type: single nucleotide variant.
Coding change: c.728T>C on transcript NM_005188.4 (MANE Select); coding-DNA position 728, T replaced by C.
Protein change: p.Ile243Thr; replaces isoleucine 243 with threonine.
Molecular consequence: missense variant.
Genome position (GRCh38, 1-based): chr11:119,274,005, T>C. VCF-style: chr11-119274005-T-C. GRCh37 (hg19) VCF-style: chr11-119144715-T-C.
Other names: short protein forms I243T.
Identifiers: ClinVar variation 477715 (VCV000477715.7), dbSNP rs1268100574, ClinGen allele CA382909801.
Genomic context (GRCh38, chr11:119,274,005, plus strand): 5'-CTCTGAAATCCACTATTGATCTGACCTGCAATGATTATATTTCGGTTTTTGAATTTGACA[T>C]CTTTACCCGACTCTTTCAGGTAGGACACTAAAAAAGTTGACTAAACTGGTTACTGCTACT-3'
Protein context (NP_005179.2, residues 233-253): NDYISVFEFD[Ile243Thr]FTRLFQPWSS

ClinVar aggregate classification (germline): Uncertain significance (1 of 4 stars; one submission).

Conditions:
RASopathy. Also called: rasopathies; Noonan spectrum disorder. Identifiers: Orphanet 536391, MedGen C5555857, MONDO:0021060.

Allele frequency attached by ClinVar (database versions not stated): gnomAD exomes below 0.00001.
gnomAD v4.1: 1 of 1,613,750 alleles (0.000062%); highest among the groups gnomAD compares: East Asian, 0.0022%; no homozygotes.

Submission:

Labcorp Genetics (formerly Invitae), Labcorp
Classification: Uncertain significance for RASopathy. Last evaluated: 2017-07-31. Review status: criteria provided, single submitter. Criteria: Invitae Variant Classification Sherloc (09022015). Collection method: clinical testing. Allele origin: germline.
Comment: In summary, this variant has uncertain impact on CBL function. The available evidence is currently insufficient to determine its role in disease. Therefore, it has been classified as a Variant of Uncertain Significance. Algorithms developed to predict the effect of missense changes on protein structure and function (SIFT, PolyPhen-2, Align-GVGD) all suggest that this variant is likely to be disruptive, but these predictions have not been confirmed by published functional studies and their clinical significance is uncertain. This variant has not been reported in the literature in individuals with a CBL-related disease. This variant is not present in population databases (ExAC no frequency). This sequence change replaces isoleucine with threonine at codon 243 of the CBL protein (p.Ile243Thr). The isoleucine residue is highly conserved and there is a moderate physicochemical difference between isoleucine and threonine.